The following is an entry in ClinVar:

ClinVar aggregate classification (germline): Likely pathogenic (1 of 4 stars; one submission).

Conditions:
Mucopolysaccharidosis, MPS-IV-A (MPS4A). Also called: Morquio syndrome A, mild; MORQUIO SYNDROME A; GALACTOSAMINE-6-SULFATASE DEFICIENCY; GALNS DEFICIENCY; MORQUIO A DISEASE; Mucopolysaccharidosis type IV A. Identifiers: Orphanet 309297, Orphanet 582, MedGen C0086651, MONDO:0009659, OMIM 253000.

Submission:

Kasturba Medical College, Manipal, Kasturba Medical College, Manipal, Manipal Academy of Higher Education, Manipal, India
Classification: Likely pathogenic for Mucopolysaccharidosis, MPS-IV-A. Review status: criteria provided, single submitter. Criteria: ACMG Guidelines, 2015. Collection method: research. Allele origin: biparental. Inheritance: Autosomal recessive inheritance. Affected: yes. Observed: 1 homozygote.
Comment: The variant is absent in homozygous and/or heterozygous state in gnomAD (v4.1.0) and our in-house database of 3829 exomes. In-silico analysis tools (REVEL and CADD_phred) predict the variant as disease-causing and likely to affect the GALNS protein function. Another amino acid changes at the same position, c.1498G>T p.(Gly500Cys) (Xie et al., 2019) and c.1498G>A p.(Gly500Ser) (ClinVar Accession ID: VCV001048341.5), have been previously reported to cause mucopolysaccharidosis IVA.

Literature cited by the submitters: PubMed 30458289.

NM_000512.5(GALNS):c.1499G>A (p.Gly500Asp)

Gene: GALNS (galactosamine (N-acetyl)-6-sulfatase; minus strand). Cytogenetic location: 16q24.3.
Variant type: single nucleotide variant.
Coding change: c.1499G>A on transcript NM_000512.5 (MANE Select); coding-DNA position 1499, G replaced by A.
Protein change: p.Gly500Asp; replaces glycine 500 with aspartic acid.
Molecular consequence: missense variant.
Genome position (GRCh38, 1-based): chr16:88,814,509, C>T on the plus strand (G>A on the coding strand, the complement: GALNS is on the minus strand). VCF-style: chr16-88814509-C-T. GRCh37 (hg19) VCF-style: chr16-88880917-C-T.
Other names: c.944G>A, p.Gly315Asp (NM_001323543.2); c.1517G>A, p.Gly506Asp (NM_001323544.2); short protein forms G315D, G500D, G506D.
Identifiers: ClinVar variation 4538463 (VCV004538463.1).